The following is an entry in ClinVar:

ClinVar aggregate classification (germline): Likely pathogenic (1 of 4 stars; one submission).

Conditions:
Glycogen storage disease, type II (IOPD). Also called: CARDIOMEGALIA GLYCOGENICA DIFFUSA; POMPE DISEASE, INFANTILE-ONSET; GLYCOGEN STORAGE DISEASE II, INFANTILE-ONSET; ACID ALPHA-GLUCOSIDASE DEFICIENCY, INFANTILE-ONSET; GAA DEFICIENCY, INFANTILE-ONSET; ACID MALTASE DEFICIENCY, INFANTILE-ONSET. Identifiers: Orphanet 365, MedGen C0017921, MONDO:0009290, OMIM 232300.

Submission:

Lildballe Lab, Aarhus University Hospital
Classification: Likely pathogenic for Glycogen storage disease II. Last evaluated: 2024-03-01. Review status: criteria provided, single submitter. Criteria: ACMG Guidelines, 2015. Collection method: research. Allele origin: germline. Affected: no.
Comment: PM1(m), PM2(sup), PM5(m), PP3(sup)

Literature cited by the submitters: PubMed 25741877; PubMed 39481677.

NM_000152.5(GAA):c.729C>A (p.Asp243Glu)

Gene: GAA (alpha glucosidase; plus strand). Cytogenetic location: 17q25.3.
Variant type: single nucleotide variant.
Coding change: c.729C>A on transcript NM_000152.5 (MANE Select); coding-DNA position 729, C replaced by A.
Protein change: p.Asp243Glu; replaces aspartic acid 243 with glutamic acid.
Molecular consequence: missense variant.
Genome position (GRCh38, 1-based): chr17:80,107,593, C>A. VCF-style: chr17-80107593-C-A. GRCh37 (hg19) VCF-style: chr17-78081392-C-A.
Other names: c.729C>A, p.Asp243Glu (NM_001079803.3, NM_001079804.3, NM_001406741.1 and 1 more transcripts); short protein forms D243E.
Identifiers: ClinVar variation 3338327 (VCV003338327.1).